The following is an entry in ClinVar:

NM_006343.3(MERTK):c.107C>T (p.Pro36Leu)

Gene: MERTK (MER proto-oncogene, tyrosine kinase; plus strand). Cytogenetic location: 2q13.
Variant type: single nucleotide variant.
Coding change: c.107C>T on transcript NM_006343.3 (MANE Select); coding-DNA position 107, C replaced by T.
Protein change: p.Pro36Leu; replaces proline 36 with leucine.
Molecular consequence: missense variant.
Genome position (GRCh38, 1-based): chr2:111,929,165, C>T. VCF-style: chr2-111929165-C-T. GRCh37 (hg19) VCF-style: chr2-112686742-C-T.
Other names: short protein forms P36L.
Identifiers: ClinVar variation 775751 (VCV000775751.15), dbSNP rs150870104, ClinGen allele CA1830981.

ClinVar aggregate classification (germline): Benign/Likely benign. Review status: criteria provided, multiple submitters, no conflicts (2 of 4 stars). 5 submissions from 5 submitters: Benign (1); Likely benign (2). 2 of the submissions do not count toward it. Last evaluated 2026-01-25.

Conditions:
MERTK-related disorder. Also called: MERTK-related condition.

Allele frequency attached by ClinVar (database versions not stated): gnomAD exomes 0.00009 and 0.00025; ExAC 0.00028; TOPMed 0.00094; 1000 Genomes Project 0.00100; gnomAD 0.00113 and 0.00118; ESP Exome Variant Server 0.00115; 1000 Genomes Project 30x 0.00125.
gnomAD v4.1: 318 of 1,614,146 alleles (0.02%); highest among the groups gnomAD compares: African/African-American, 0.35%; 1 homozygote.

Submissions (5):

Labcorp Genetics (formerly Invitae), Labcorp
Classification: Likely benign. Last evaluated: 2026-01-25. Review status: criteria provided, single submitter. Criteria: Invitae Variant Classification Sherloc (09022015). Collection method: clinical testing. Allele origin: germline.

PreventionGenetics, part of Exact Sciences
Classification: Likely benign for MERTK-related condition. Last evaluated: 2025-04-15. Review status: criteria provided, single submitter. Criteria: ACMG Guidelines, 2015. Collection method: clinical testing. Allele origin: germline.
Comment: This variant is classified as likely benign based on ACMG/AMP sequence variant interpretation guidelines (Richards et al. 2015 PMID: 25741868, with internal and published modifications).

Blueprint Genetics
Classification: Benign. Last evaluated: 2024-06-28. Review status: criteria provided, single submitter. Criteria: ACMG Guidelines, 2015. Collection method: clinical testing. Allele origin: germline.

Clinical Genetics DNA and cytogenetics Diagnostics Lab, Erasmus MC, Erasmus Medical Center
Classification: Likely benign. Review status: no assertion criteria provided. Collection method: clinical testing. Allele origin: germline. Affected: yes. Study: VKGL Data-share Consensus. Not counted in ClinVar's aggregate classification.

Clinical Genetics, Academic Medical Center
Classification: Likely benign. Review status: no assertion criteria provided. Collection method: clinical testing. Allele origin: germline. Affected: yes. Study: VKGL Data-share Consensus. Not counted in ClinVar's aggregate classification.